The following is an entry in ClinVar:

NM_001042492.3(NF1):c.6478A>C (p.Lys2160Gln)

Gene: NF1 (neurofibromin 1; plus strand). Cytogenetic location: 17q11.2.
Variant type: single nucleotide variant.
Coding change: c.6478A>C on transcript NM_001042492.3 (MANE Select); coding-DNA position 6478, A replaced by C.
Protein change: p.Lys2160Gln; replaces lysine 2160 with glutamine.
Molecular consequence: missense variant.
Genome position (GRCh38, 1-based): chr17:31,337,418, A>C. VCF-style: chr17-31337418-A-C. GRCh37 (hg19) VCF-style: chr17-29664436-A-C.
Other names: c.6415A>C, p.Lys2139Gln (NM_000267.4); short protein forms K2139Q, K2160Q.
Identifiers: ClinVar variation 1429353 (VCV001429353.8), dbSNP rs2151556114, ClinGen allele CA399013096.
Genomic context (GRCh38, chr17:31,337,418, plus strand): 5'-TCTCTTACAGAAGAGACCAAGCAAGTTTTGAGACTCAGTCTGACAGAGTTCTCATTACCC[A>C]AATTTTACTTGCTGTTTGGCATTAGCAAAGTCAAGTCAGCTGCTGTCATTGCCTTCCGTT-3'
Protein context (NP_001035957.1, residues 2150-2170): RLSLTEFSLP[Lys2160Gln]FYLLFGISKV

ClinVar aggregate classification (germline): Uncertain significance (1 of 4 stars; one submission).

Conditions:
Neurofibromatosis, type 1 (NF1). Also called: VON RECKLINGHAUSEN DISEASE; NEUROFIBROMATOSIS, TYPE I, SOMATIC; Neurofibromatosis, type I; Peripheral type neurofibromatosis. Identifiers: Orphanet 636, MedGen C0027831, MONDO:0018975, OMIM 162200. Disease mechanism: loss of function.

Submission:

Labcorp Genetics (formerly Invitae), Labcorp
Classification: Uncertain significance for Neurofibromatosis, type 1. Last evaluated: 2021-05-25. Review status: criteria provided, single submitter. Criteria: Invitae Variant Classification Sherloc (09022015). Collection method: clinical testing. Allele origin: germline.
Comment: In summary, the available evidence is currently insufficient to determine the role of this variant in disease. Therefore, it has been classified as a Variant of Uncertain Significance. Advanced modeling of protein sequence and biophysical properties (such as structural, functional, and spatial information, amino acid conservation, physicochemical variation, residue mobility, and thermodynamic stability) performed at Invitae indicates that this missense variant is expected to disrupt NF1 protein function. This variant has not been reported in the literature in individuals with NF1-related conditions. This variant is not present in population databases (ExAC no frequency). This sequence change replaces lysine with glutamine at codon 2139 of the NF1 protein (p.Lys2139Gln). The lysine residue is highly conserved and there is a small physicochemical difference between lysine and glutamine.